The following is an entry in ClinVar:

ClinVar aggregate classification (germline): Pathogenic (1 of 4 stars; one submission).

Submission:

Labcorp Genetics (formerly Invitae), Labcorp
Classification: Pathogenic. Last evaluated: 2022-06-29. Review status: criteria provided, single submitter. Criteria: Invitae Variant Classification Sherloc (09022015). Collection method: clinical testing. Allele origin: germline.
Comment: This sequence change creates a premature translational stop signal (p.Arg1645Glyfs*17) in the INTS1 gene. It is expected to result in an absent or disrupted protein product. Loss-of-function variants in INTS1 are known to be pathogenic (PMID: 28542170, 30622326). This variant is not present in population databases (gnomAD no frequency). This variant has not been reported in the literature in individuals affected with INTS1-related conditions. For these reasons, this variant has been classified as Pathogenic.

Literature cited by the submitters: PubMed 28542170; PubMed 30622326.

NM_001080453.3(INTS1):c.4932del (p.Arg1645fs)

Gene: INTS1 (integrator complex subunit 1; minus strand). Cytogenetic location: 7p22.3.
Variant type: Deletion.
Coding change: c.4932del on transcript NM_001080453.3 (MANE Select); coding-DNA position 4932, one base deleted (G; older notation c.4932delG).
Protein change: p.Arg1645fs; shifts the reading frame from arginine 1645.
Molecular consequence: frameshift variant.
Genome position (GRCh38, 1-based): chr7:1,477,556, C deleted on the plus strand (G on the coding strand, the reverse complement: INTS1 is on the minus strand); the first of 2 consecutive C bases (chr7:1,477,556-1,477,557); deleting either gives the same sequence. VCF-style (leftmost placement, unchanged base first): chr7-1477555-TC-T. GRCh37 (hg19) VCF-style: chr7-1517191-TC-T.
Other names: c.1448delG, p.Arg484Glyfs (NM_015674.1); short protein forms R1645fs.
Identifiers: ClinVar variation 2142869 (VCV002142869.1), dbSNP rs2483311809, ClinGen allele CA2580076697.